The following is an entry in ClinVar:

NM_031475.3(ESPN):c.244dup (p.His82fs)

Gene: ESPN (espin; plus strand). Cytogenetic location: 1p36.31.
Variant type: Duplication.
Coding change: c.244dup on transcript NM_031475.3 (MANE Select); coding-DNA position 244, one base duplicated (C; older notation c.244dupC).
Protein change: p.His82fs; shifts the reading frame from histidine 82.
Molecular consequence: frameshift variant.
Genome position (GRCh38, 1-based): chr1:6,425,199, C duplicated; the last of 2 consecutive C bases (chr1:6,425,198-6,425,199); duplicating either gives the same sequence. VCF-style (leftmost placement, unchanged base first): chr1-6425197-G-GC. GRCh37 (hg19) VCF-style: chr1-6485257-G-GC.
Other names: c.244dup, p.His82fs (NM_001367473.1, NM_001367474.1); short protein forms H82fs.
Identifiers: ClinVar variation 3075897 (VCV003075897.1), dbSNP rs2522706561, ClinGen allele CA2825000958.

ClinVar aggregate classification (germline): Likely pathogenic (1 of 4 stars; one submission).

Conditions:
Rare genetic deafness. Identifiers: Orphanet 96210, MedGen C5680250.

Submission:

Laboratory for Molecular Medicine, Mass General Brigham Personalized Medicine
Classification: Likely pathogenic for Rare genetic deafness. Last evaluated: 2022-11-03. Review status: criteria provided, single submitter. Criteria: ACMG Guidelines, 2015. Collection method: clinical testing. Allele origin: germline.
Comment: The p.His82ProfsX82 variant in ESPN has not been reported in individuals with non-syndromic hearing loss or in ClinVar. It is absent from gnomAD. This variant is predicted to cause a frameshift, which alters the protein’s amino acid sequence beginning at position 82 and leads to a premature termination codon 82 amino acids downstream. This alteration is then predicted to lead to a truncated or absent protein. Loss of function of the ESPN gene is an established disease mechanism in autosomal recessive nonsyndromic hearing loss. In summary, although additional studies are required to fully establish its clinical significance, this variant meets criteria to be classified as likely pathogenic for autosomal recessive nonsyndromic hearing loss. ACMG/AMP Criteria applied: PM2_Supporting, PVS1.